The following is an entry in ClinVar:

NM_001377.3(DYNC2H1):c.12480dup (p.Gln4161fs)

Gene: DYNC2H1 (dynein cytoplasmic 2 heavy chain 1; plus strand). Cytogenetic location: 11q22.3.
Variant type: Duplication.
Coding change: c.12480dup on transcript NM_001377.3 (MANE Select); coding-DNA position 12480, one base duplicated (A; older notation c.12480dupA).
Protein change: p.Gln4161fs; shifts the reading frame from glutamine 4161.
Molecular consequence: frameshift variant.
Genome position (GRCh38, 1-based): chr11:103,455,209, A duplicated; the last of 5 consecutive A bases (chr11:103,455,205-103,455,209); duplicating any one gives the same sequence. VCF-style (leftmost placement, unchanged base first): chr11-103455204-G-GA. GRCh37 (hg19) VCF-style: chr11-103325932-G-GA.
Other names: c.12501dup, p.Gln4168fs (NM_001080463.2); short protein forms Q4168fs, Q4161fs.
Identifiers: ClinVar variation 2734262 (VCV002734262.4), dbSNP rs2497538745, ClinGen allele CA2615755662.

ClinVar aggregate classification (germline): Pathogenic/Likely pathogenic. Review status: criteria provided, multiple submitters, no conflicts (2 of 4 stars). 2 submissions from 2 submitters: Pathogenic (1); Likely pathogenic (1). Last evaluated 2026-01-19.

Conditions:
Asphyxiating thoracic dystrophy 3. Also called: Saldino-Noonan Syndrome; SHORT-RIB THORACIC DYSPLASIA 3 WITH OR WITHOUT POLYDACTYLY; POLYDACTYLY WITH NEONATAL CHONDRODYSTROPHY, TYPE I; SHORT-RIB THORACIC DYSPLASIA 3/6 WITH POLYDACTYLY, DIGENIC; Short rib polydactyly syndrome 2B. Identifiers: Orphanet 474, Orphanet 93269, Orphanet 93270, Orphanet 93271, MedGen C0036069, MONDO:0013127, OMIM 613091.
Jeune thoracic dystrophy. Also called: Jeune syndrome; Infantile thoracic dystrophy; Thoracic pelvic phalangeal dystrophy; Jeune's syndrome; Chondroectodermal dysplasia-like syndrome; Short-rib thoracic dysplasia. Identifiers: Orphanet 474, MedGen C0265275, MONDO:0018770.

Submissions (2):

Labcorp Genetics (formerly Invitae), Labcorp
Classification: Pathogenic for Jeune thoracic dystrophy. Last evaluated: 2026-01-19. Review status: criteria provided, single submitter. Criteria: Invitae Variant Classification Sherloc (09022015). Collection method: clinical testing. Allele origin: germline.
Comment: This sequence change creates a premature translational stop signal (p.Gln4168Thrfs*6) in the DYNC2H1 gene. It is expected to result in an absent or disrupted protein product. Loss-of-function variants in DYNC2H1 are known to be pathogenic (PMID: 23339108, 32753734, 33755199). This variant is not present in population databases (gnomAD no frequency). This variant has not been reported in the literature in individuals affected with DYNC2H1-related conditions. ClinVar contains an entry for this variant (Variation ID: 2734262). For these reasons, this variant has been classified as Pathogenic.

Fulgent Genetics
Classification: Likely pathogenic for Asphyxiating thoracic dystrophy 3. Last evaluated: 2024-01-16. Review status: criteria provided, single submitter. Criteria: ACMG Guidelines, 2015. Collection method: clinical testing. Allele origin: germline.

Literature cited by the submitters: PubMed 23339108 (cited by Labcorp Genetics (formerly Invitae), Labcorp); PubMed 32753734 (cited by Labcorp Genetics (formerly Invitae), Labcorp); PubMed 33755199 (cited by Labcorp Genetics (formerly Invitae), Labcorp).